The following is an entry in ClinVar:

ClinVar aggregate classification (germline): Uncertain significance. Review status: criteria provided, multiple submitters, no conflicts (2 of 4 stars). 3 submissions from 3 submitters: Uncertain significance (3). Last evaluated 2023-04-11.

Conditions:
Developmental and epileptic encephalopathy, 18 (DEE18). Also called: Early infantile epileptic encephalopathy 18. Identifiers: Orphanet 369894, MedGen C3809624, MONDO:0014201, OMIM 615476.

Allele frequency attached by ClinVar (database versions not stated): gnomAD exomes below 0.00001 and 0.00001; TOPMed below 0.00001; gnomAD 0.00001 and 0.00002; ExAC 0.00002.
gnomAD v4.1: 9 of 1,613,394 alleles (0.00056%); highest among the groups gnomAD compares: Non-Finnish European, 0.00059%; no homozygotes.

Submissions (3):

Genome-Nilou Lab
Classification: Uncertain significance for Developmental and epileptic encephalopathy, 18. Last evaluated: 2023-04-11. Review status: criteria provided, single submitter. Criteria: ACMG Guidelines, 2015. Collection method: clinical testing. Allele origin: germline. Affected: no.

Labcorp Genetics (formerly Invitae), Labcorp
Classification: Uncertain significance. Last evaluated: 2021-04-23. Review status: criteria provided, single submitter. Criteria: Invitae Variant Classification Sherloc (09022015). Collection method: clinical testing. Allele origin: germline.
Comment: In summary, the available evidence is currently insufficient to determine the role of this variant in disease. Therefore, it has been classified as a Variant of Uncertain Significance. Algorithms developed to predict the effect of missense changes on protein structure and function are either unavailable or do not agree on the potential impact of this missense change (SIFT: "Deleterious"; PolyPhen-2: "Probably Damaging"; Align-GVGD: "Class C0"). This variant has not been reported in the literature in individuals with SZT2-related conditions. This variant is present in population databases (rs768665895, ExAC 0.003%). This sequence change replaces leucine with phenylalanine at codon 2645 of the SZT2 protein (p.Leu2645Phe). The leucine residue is highly conserved and there is a small physicochemical difference between leucine and phenylalanine.

GeneDx
Classification: Uncertain significance. Last evaluated: 2020-10-14. Review status: criteria provided, single submitter. Criteria: GeneDx Variant Classification Process June 2021. Collection method: clinical testing. Allele origin: germline. Affected: yes.
Comment: Not observed at a significant frequency in large population cohorts (Lek et al., 2016); In silico analysis supports that this missense variant has a deleterious effect on protein structure/function; Has not been previously published as pathogenic or benign to our knowledge

NM_001365999.1(SZT2):c.8104C>T (p.Leu2702Phe)

Gene: SZT2 (SZT2 subunit of KICSTOR complex; plus strand). Cytogenetic location: 1p34.2.
Variant type: single nucleotide variant.
Coding change: c.8104C>T on transcript NM_001365999.1 (MANE Select); coding-DNA position 8104, C replaced by T.
Protein change: p.Leu2702Phe; replaces leucine 2702 with phenylalanine.
Molecular consequence: missense variant.
Genome position (GRCh38, 1-based): chr1:43,442,571, C>T. VCF-style: chr1-43442571-C-T. GRCh37 (hg19) VCF-style: chr1-43908242-C-T.
Other names: c.7933C>T, p.Leu2645Phe (NM_015284.4); short protein forms L2645F, L2702F.
Identifiers: ClinVar variation 1313354 (VCV001313354.8), dbSNP rs768665895, ClinGen allele CA810443.